The following is an entry in ClinVar:

ClinVar aggregate classification (germline): Likely benign (1 of 4 stars; one submission).

Conditions:
Medulloblastoma (MDB). Also called: Medulloblastoma, somatic; MEDULLOBLASTOMA PREDISPOSITION SYNDROME. Identifiers: Orphanet 616, MedGen C0025149, MeSH D008527, MONDO:0007959, OMIM 155255, HP:0002885.

Allele frequency attached by ClinVar (database versions not stated): gnomAD exomes 0.00175; gnomAD 0.00947 and 0.01014; 1000 Genomes Project 0.00978; 1000 Genomes Project 30x 0.01046; TOPMed 0.01052.
gnomAD v4.1: 1,588 of 233,172 alleles (0.68%); highest among the groups gnomAD compares: African/African-American, 3.1%; 28 homozygotes.

Submission:

Illumina Laboratory Services, Illumina
Classification: Likely benign for Medulloblastoma. Last evaluated: 2018-01-13. Review status: criteria provided, single submitter. Criteria: ICSL Variant Classification Criteria 13 December 2019. Collection method: clinical testing. Allele origin: germline.
Comment: This variant was observed in the ICSL laboratory as part of a predisposition screen in an ostensibly healthy population. It had not been previously curated by ICSL or reported in the Human Gene Mutation Database (HGMD: prior to June 1st, 2018), and was therefore a candidate for classification through an automated scoring system. Utilizing variant allele frequency, disease prevalence and penetrance estimates, and inheritance mode, an automated score was calculated to assess if this variant is too frequent to cause the disease. Based on the score and internal cut-off values, a variant classified as likely benign is not then subjected to further curation. The score for this variant resulted in a classification of likely benign for this disease.

NM_016169.4(SUFU):c.*3086A>G

Gene: SUFU (SUFU negative regulator of hedgehog signaling; plus strand). Cytogenetic location: 10q24.32.
Variant type: single nucleotide variant.
Coding change: c.*3086A>G on transcript NM_016169.4 (MANE Select); 3086 bases downstream of the stop codon, A replaced by G.
Molecular consequence: 3 prime UTR variant.
Genome position (GRCh38, 1-based): chr10:102,633,241, A>G. VCF-style: chr10-102633241-A-G. GRCh37 (hg19) VCF-style: chr10-104392998-A-G.
Identifiers: ClinVar variation 298611 (VCV000298611.5), dbSNP rs73342651, ClinGen allele CA10630831.